The following is an entry in ClinVar:

ClinVar aggregate classification (germline): Uncertain significance (1 of 4 stars; one submission).

gnomAD v4.1: 1 of 1,554,102 alleles (0.000064%); highest among the groups gnomAD compares: South Asian, 0.0011%; no homozygotes.

Submission:

Ambry Genetics
Classification: Uncertain significance. Last evaluated: 2024-10-27. Review status: criteria provided, single submitter. Criteria: Ambry Variant Classification Scheme 2023. Collection method: clinical testing. Allele origin: germline.
Comment: The p.I343T variant (also known as c.1028T>C), located in coding exon 12 of the NPAT gene, results from a T to C substitution at nucleotide position 1028. The isoleucine at codon 343 is replaced by threonine, an amino acid with similar properties. This amino acid position is conserved. In addition, this alteration is predicted to be tolerated by in silico analysis. Based on the available evidence, the clinical significance of this variant remains unclear.

NM_002519.3(NPAT):c.1028T>C (p.Ile343Thr)

Gene: NPAT (nuclear protein, coactivator of histone transcription; minus strand). Cytogenetic location: 11q22.3.
Variant type: single nucleotide variant.
Coding change: c.1028T>C on transcript NM_002519.3 (MANE Select); coding-DNA position 1028, T replaced by C.
Protein change: p.Ile343Thr; replaces isoleucine 343 with threonine.
Molecular consequence: missense variant.
Genome position (GRCh38, 1-based): chr11:108,176,350, A>G on the plus strand (T>C on the coding strand, the complement: NPAT is on the minus strand). VCF-style: chr11-108176350-A-G. GRCh37 (hg19) VCF-style: chr11-108047077-A-G.
Other names: c.1028T>C, p.Ile343Thr (NM_001321307.1); short protein forms I343T.
Identifiers: ClinVar variation 3407254 (VCV003407254.1).